The following is an entry in ClinVar:

ClinVar aggregate classification (germline): Uncertain significance (1 of 4 stars; one submission).

Allele frequency attached by ClinVar (database versions not stated): gnomAD 0.00001; TOPMed 0.00001.
gnomAD v4.1: 4 of 1,612,128 alleles (0.00025%); highest among the groups gnomAD compares: African/African-American, 0.0027%; no homozygotes.

Submission:

Labcorp Genetics (formerly Invitae), Labcorp
Classification: Uncertain significance. Last evaluated: 2022-10-24. Review status: criteria provided, single submitter. Criteria: Invitae Variant Classification Sherloc (09022015). Collection method: clinical testing. Allele origin: germline.
Comment: This variant has not been reported in the literature in individuals affected with TUBGCP6-related conditions. ClinVar contains an entry for this variant (Variation ID: 1394626). Algorithms developed to predict the effect of missense changes on protein structure and function are either unavailable or do not agree on the potential impact of this missense change (SIFT: "Tolerated"; PolyPhen-2: "Possibly Damaging"; Align-GVGD: "Class C0"). In summary, the available evidence is currently insufficient to determine the role of this variant in disease. Therefore, it has been classified as a Variant of Uncertain Significance. This variant is present in population databases (rs761662554, gnomAD 0.01%). This sequence change replaces phenylalanine, which is neutral and non-polar, with leucine, which is neutral and non-polar, at codon 1507 of the TUBGCP6 protein (p.Phe1507Leu).

NM_020461.4(TUBGCP6):c.4521C>G (p.Phe1507Leu)

Gene: TUBGCP6 (tubulin gamma complex component 6; minus strand). Cytogenetic location: 22q13.33.
Variant type: single nucleotide variant.
Coding change: c.4521C>G on transcript NM_020461.4 (MANE Select); coding-DNA position 4521, C replaced by G.
Protein change: p.Phe1507Leu; replaces phenylalanine 1507 with leucine.
Molecular consequence: missense variant.
Genome position (GRCh38, 1-based): chr22:50,219,173, G>C on the plus strand (C>G on the coding strand, the complement: TUBGCP6 is on the minus strand). VCF-style: chr22-50219173-G-C. GRCh37 (hg19) VCF-style: chr22-50657602-G-C.
Other names: short protein forms F1507L.
Identifiers: ClinVar variation 1394626 (VCV001394626.6), dbSNP rs761662554, ClinGen allele CA10307456.